The following is an entry in ClinVar:

NM_004628.5(XPC):c.542del (p.Lys181fs)

Gene: XPC (XPC complex subunit, DNA damage recognition and repair factor; minus strand). Cytogenetic location: 3p25.1.
Variant type: Deletion.
Coding change: c.542del on transcript NM_004628.5 (MANE Select); coding-DNA position 542, one base deleted (A; older notation c.542delA).
Protein change: p.Lys181fs; shifts the reading frame from lysine 181.
Molecular consequence: frameshift variant. On other transcripts: 5 prime UTR variant (1), non-coding transcript variant (2).
Genome position (GRCh38, 1-based): chr3:14,167,248, T deleted on the plus strand (A on the coding strand, the reverse complement: XPC is on the minus strand); the first of 4 consecutive T bases (chr3:14,167,248-14,167,251); deleting any one gives the same sequence. VCF-style (leftmost placement, unchanged base first): chr3-14167247-CT-C. GRCh37 (hg19) VCF-style: chr3-14208747-CT-C.
Other names: c.-38del (NM_001354726.2); c.542del, p.Lys181fs (NM_001354727.2, NM_001354730.2); c.524del, p.Lys175fs (NM_001354729.2); short protein forms K175fs, K181fs.
Identifiers: ClinVar variation 3633297 (VCV003633297.2).

ClinVar aggregate classification (germline): Pathogenic (1 of 4 stars; one submission).

Submission:

Labcorp Genetics (formerly Invitae), Labcorp
Classification: Pathogenic. Last evaluated: 2024-02-01. Review status: criteria provided, single submitter. Criteria: Invitae Variant Classification Sherloc (09022015). Collection method: clinical testing. Allele origin: germline.
Comment: This sequence change creates a premature translational stop signal (p.Lys181Argfs*2) in the XPC gene. It is expected to result in an absent or disrupted protein product. Loss-of-function variants in XPC are known to be pathogenic (PMID: 23173980, 25256075). This variant is not present in population databases (gnomAD no frequency). This variant has not been reported in the literature in individuals affected with XPC-related conditions. For these reasons, this variant has been classified as Pathogenic.

Literature cited by the submitters: PubMed 23173980; PubMed 25256075.